The following is an entry in ClinVar:

NM_000548.5(TSC2):c.2126T>C (p.Val709Ala)

Gene: TSC2 (TSC complex subunit 2; plus strand). Cytogenetic location: 16p13.3.
Variant type: single nucleotide variant.
Coding change: c.2126T>C on transcript NM_000548.5 (MANE Select); coding-DNA position 2126, T replaced by C.
Protein change: p.Val709Ala; replaces valine 709 with alanine.
Molecular consequence: missense variant.
Genome position (GRCh38, 1-based): chr16:2,072,269, T>C. VCF-style: chr16-2072269-T-C. GRCh37 (hg19) VCF-style: chr16-2122270-T-C.
Other names: c.2126T>C, p.Val709Ala (NM_001077183.3, NM_001114382.3, NM_001363528.2 and 3 more transcripts); c.2015T>C, p.Val672Ala (NM_001318827.2); c.1979T>C, p.Val660Ala (NM_001318829.2); c.1526T>C, p.Val509Ala (NM_001318831.2); c.2159T>C, p.Val720Ala (NM_001318832.2); short protein forms V509A, V672A, V660A, V709A, V720A.
Identifiers: ClinVar variation 944139 (VCV000944139.9), dbSNP rs1326276839, ClinGen allele CA394274804.

ClinVar aggregate classification (germline): Uncertain significance. Review status: criteria provided, multiple submitters, no conflicts (2 of 4 stars). 2 submissions from 2 submitters: Uncertain significance (2). Last evaluated 2025-06-12.

Conditions:
Hereditary cancer-predisposing syndrome. Also called: Neoplastic Syndromes, Hereditary; Hereditary neoplastic syndrome; Hereditary Cancer Syndrome; Tumor predisposition. Identifiers: Orphanet 140162, MedGen C0027672, MeSH D009386, MONDO:0015356.
Tuberous sclerosis 2 (TSC2). Identifiers: Orphanet 805, MedGen C1860707, MONDO:0013199, OMIM 613254.

Allele frequency attached by ClinVar (database versions not stated): gnomAD exomes below 0.00001.
gnomAD v4.1: 1 of 1,614,098 alleles (0.000062%); highest among the groups gnomAD compares: African/African-American, 0.0013%; no homozygotes.

Submissions (2):

Labcorp Genetics (formerly Invitae), Labcorp
Classification: Uncertain significance for Tuberous sclerosis 2. Last evaluated: 2025-06-12. Review status: criteria provided, single submitter. Criteria: Invitae Variant Classification Sherloc (09022015). Collection method: clinical testing. Allele origin: germline.
Comment: This sequence change replaces valine, which is neutral and non-polar, with alanine, which is neutral and non-polar, at codon 709 of the TSC2 protein (p.Val709Ala). This variant is not present in population databases (gnomAD no frequency). This variant has not been reported in the literature in individuals affected with TSC2-related conditions. ClinVar contains an entry for this variant (Variation ID: 944139). Invitae Evidence Modeling of protein sequence and biophysical properties (such as structural, functional, and spatial information, amino acid conservation, physicochemical variation, residue mobility, and thermodynamic stability) indicates that this missense variant is not expected to disrupt TSC2 protein function with a negative predictive value of 95%. In summary, the available evidence is currently insufficient to determine the role of this variant in disease. Therefore, it has been classified as a Variant of Uncertain Significance.

Ambry Genetics
Classification: Uncertain significance for Hereditary cancer-predisposing syndrome. Last evaluated: 2024-07-06. Review status: criteria provided, single submitter. Criteria: Ambry Variant Classification Scheme 2023. Collection method: clinical testing. Allele origin: germline.
Comment: The p.V709A variant (also known as c.2126T>C), located in coding exon 19 of the TSC2 gene, results from a T to C substitution at nucleotide position 2126. The valine at codon 709 is replaced by alanine, an amino acid with similar properties. This amino acid position is highly conserved in available vertebrate species. In addition, this alteration is predicted to be deleterious by in silico analysis. Based on the available evidence, the clinical significance of this variant remains unclear.